The following is an entry in ClinVar:

ClinVar aggregate classification (germline): Uncertain significance. Review status: criteria provided, multiple submitters, no conflicts (2 of 4 stars). 2 submissions from 2 submitters: Uncertain significance (2). Last evaluated 2022-08-06.

Conditions:
Xanthinuria type II. Also called: Xanthine dehydrogenase and aldehyde oxidase combined deficiency of; XDH and AOX dual deficiency. Identifiers: Orphanet 3467, Orphanet 93602, MedGen C1863688, MONDO:0011346, OMIM 603592.
Hereditary xanthinuria type 1 (XAN1). Identifiers: Orphanet 3467, Orphanet 93601, MedGen C0268118, MONDO:0010209, OMIM 278300.

Allele frequency attached by ClinVar (database versions not stated): gnomAD 0.00003 and 0.00004; gnomAD exomes 0.00005 and 0.00008; TOPMed 0.00005; ExAC 0.00008.
gnomAD v4.1: 85 of 1,614,050 alleles (0.0053%); highest among the groups gnomAD compares: Middle Eastern, 0.16%; no homozygotes.

Submissions (2):

Labcorp Genetics (formerly Invitae), Labcorp
Classification: Uncertain significance for Xanthinuria type II. Last evaluated: 2022-08-06. Review status: criteria provided, single submitter. Criteria: Invitae Variant Classification Sherloc (09022015). Collection method: clinical testing. Allele origin: germline.
Comment: This sequence change replaces leucine, which is neutral and non-polar, with proline, which is neutral and non-polar, at codon 61 of the XDH protein (p.Leu61Pro). This variant is present in population databases (rs765864735, gnomAD 0.01%). This variant has not been reported in the literature in individuals affected with XDH-related conditions. ClinVar contains an entry for this variant (Variation ID: 897598). Algorithms developed to predict the effect of missense changes on protein structure and function (SIFT, PolyPhen-2, Align-GVGD) all suggest that this variant is likely to be tolerated. In summary, the available evidence is currently insufficient to determine the role of this variant in disease. Therefore, it has been classified as a Variant of Uncertain Significance.

Illumina Laboratory Services, Illumina
Classification: Uncertain significance for Hereditary xanthinuria type 1. Last evaluated: 2018-04-06. Review status: criteria provided, single submitter. Criteria: ICSL Variant Classification Criteria 13 December 2019. Collection method: clinical testing. Allele origin: germline.

NM_000379.4(XDH):c.182T>C (p.Leu61Pro)

Gene: XDH (xanthine dehydrogenase; minus strand). Cytogenetic location: 2p23.1.
Variant type: single nucleotide variant.
Coding change: c.182T>C on transcript NM_000379.4 (MANE Select); coding-DNA position 182, T replaced by C.
Protein change: p.Leu61Pro; replaces leucine 61 with proline.
Molecular consequence: missense variant.
Genome position (GRCh38, 1-based): chr2:31,403,063, A>G on the plus strand (T>C on the coding strand, the complement: XDH is on the minus strand). VCF-style: chr2-31403063-A-G. GRCh37 (hg19) VCF-style: chr2-31625929-A-G.
Other names: short protein forms L61P.
Identifiers: ClinVar variation 897598 (VCV000897598.8), dbSNP rs765864735, ClinGen allele CA1599746.
Genomic context (GRCh38, chr2:31,403,063, plus strand): 5'-CATCGCAGCCCCCATGTGGGTGGTCAGCCAGCAGGCAAAGGATACACGATCTTGTTCTGC[A>G]GACGATCATACTTGGAGAGCATCACTGTGCAAGCCCCGCAGCCCCCCTCTCCACAGCCGA-3'
Protein context (NP_000370.2, residues 51-71): CTVMLSKYDR[Leu61Pro]QNKIVHFSAN